The following is an entry in ClinVar:

ClinVar aggregate classification (germline): Uncertain significance (1 of 4 stars; one submission).

Conditions:
Charcot-Marie-Tooth disease axonal type 2O. Also called: CHARCOT-MARIE-TOOTH NEUROPATHY, AXONAL, TYPE 2O; CHARCOT-MARIE-TOOTH DISEASE, AXONAL, AUTOSOMAL DOMINANT, TYPE 2O; Charcot-Marie-Tooth Neuropathy Type 2O; Charcot-Marie-Tooth disease, axonal, type 20. Identifiers: Orphanet 284232, MedGen C3280220, MONDO:0013644, OMIM 614228.

Submission:

Labcorp Genetics (formerly Invitae), Labcorp
Classification: Uncertain significance for Charcot-Marie-Tooth disease axonal type 2O. Last evaluated: 2025-11-06. Review status: criteria provided, single submitter. Criteria: Invitae Variant Classification Sherloc (09022015). Collection method: clinical testing. Allele origin: germline.
Comment: This sequence change replaces glutamic acid, which is acidic and polar, with valine, which is neutral and non-polar, at codon 1215 of the DYNC1H1 protein (p.Glu1215Val). This variant is not present in population databases (gnomAD no frequency). This variant has not been reported in the literature in individuals affected with DYNC1H1-related conditions. Invitae Evidence Modeling of protein sequence and biophysical properties (such as structural, functional, and spatial information, amino acid conservation, physicochemical variation, residue mobility, and thermodynamic stability) indicates that this missense variant is expected to disrupt DYNC1H1 protein function with a positive predictive value of 95%. In summary, the available evidence is currently insufficient to determine the role of this variant in disease. Therefore, it has been classified as a Variant of Uncertain Significance.

NM_001376.5(DYNC1H1):c.3644A>T (p.Glu1215Val)

Gene: DYNC1H1 (dynein cytoplasmic 1 heavy chain 1; plus strand). Cytogenetic location: 14q32.31.
Variant type: single nucleotide variant.
Coding change: c.3644A>T on transcript NM_001376.5 (MANE Select); coding-DNA position 3644, A replaced by T.
Protein change: p.Glu1215Val; replaces glutamic acid 1215 with valine.
Molecular consequence: missense variant.
Genome position (GRCh38, 1-based): chr14:101,997,114, A>T. VCF-style: chr14-101997114-A-T. GRCh37 (hg19) VCF-style: chr14-102463451-A-T.
Other names: short protein forms E1215V.
Identifiers: ClinVar variation 4802046 (VCV004802046.1).